The following is an entry in ClinVar:

ClinVar aggregate classification (germline): Conflicting classifications of pathogenicity. Review status: criteria provided, conflicting classifications (1 of 4 stars). 2 submissions from 2 submitters: Uncertain significance (1); Likely benign (1). Last evaluated 2025-09-02.

Conditions:
Combined immunodeficiency due to LRBA deficiency. Also called: Common variable immunodeficiency 8, with autoimmunity. Identifiers: Orphanet 445018, MedGen C3553512, MONDO:0013863, OMIM 614700.

Allele frequency attached by ClinVar (database versions not stated): ExAC 0.00004; gnomAD exomes 0.00004.
gnomAD v4.1: 11 of 1,470,830 alleles (0.00075%); highest among the groups gnomAD compares: East Asian, 0.025%; no homozygotes.

Submissions (2):

Labcorp Genetics (formerly Invitae), Labcorp
Classification: Uncertain significance for Combined immunodeficiency due to LRBA deficiency. Last evaluated: 2025-09-02. Review status: criteria provided, single submitter. Criteria: Invitae Variant Classification Sherloc (09022015). Collection method: clinical testing. Allele origin: germline.
Comment: This sequence change falls in intron 44 of the LRBA gene. It does not directly change the encoded amino acid sequence of the LRBA protein. It affects a nucleotide within the consensus splice site. This variant is present in population databases (rs751485504, gnomAD 0.06%). This variant has not been reported in the literature in individuals affected with LRBA-related conditions. ClinVar contains an entry for this variant (Variation ID: 944100). Variants that disrupt the consensus splice site are a relatively common cause of aberrant splicing (PMID: 17576681, 9536098). Algorithms developed to predict the effect of sequence changes on RNA splicing suggest that this variant is not likely to affect RNA splicing. In summary, the available evidence is currently insufficient to determine the role of this variant in disease. Therefore, it has been classified as a Variant of Uncertain Significance.

Blueprint Genetics
Classification: Likely benign. Last evaluated: 2021-05-18. Review status: criteria provided, single submitter. Criteria: ACMG Guidelines, 2015. Collection method: clinical testing. Allele origin: germline.

Literature cited by the submitters: PubMed 17576681 (cited by Labcorp Genetics (formerly Invitae), Labcorp); PubMed 9536098 (cited by Labcorp Genetics (formerly Invitae), Labcorp).

NM_001364905.1(LRBA):c.6667+5C>A

Gene: LRBA (LPS responsive beige-like anchor protein; minus strand). Cytogenetic location: 4q31.3.
Variant type: single nucleotide variant.
Coding change: c.6667+5C>A on transcript NM_001364905.1 (MANE Select); 5 bases into the intron after coding-DNA position 6667, C replaced by A.
Molecular consequence: intron variant.
Genome position (GRCh38, 1-based): chr4:150,471,619, G>T on the plus strand (C>A on the coding strand, the complement: LRBA is on the minus strand). VCF-style: chr4-150471619-G-T. GRCh37 (hg19) VCF-style: chr4-151392771-G-T.
Other names: c.6667+5C>A (NM_001367550.1, NM_001199282.3, NM_001440431.1); c.6700+5C>A (NM_006726.5, NM_001440430.1); c.370+5C>A (NM_001440432.1); c.364+5C>A (NM_001440433.1).
Identifiers: ClinVar variation 944100 (VCV000944100.10), dbSNP rs751485504, ClinGen allele CA3101859.